The following is an entry in ClinVar:

NM_080916.3(DGUOK):c.44T>A (p.Phe15Tyr)

Genes: DGUOK (deoxyguanosine kinase; plus strand), LOC129934096 (ATAC-STARR-seq lymphoblastoid active region 16036; plus strand). Cytogenetic location: 2p13.1.
Variant type: single nucleotide variant.
Coding change: c.44T>A on transcript NM_080916.3 (MANE Select); coding-DNA position 44, T replaced by A.
Protein change: p.Phe15Tyr; replaces phenylalanine 15 with tyrosine.
Molecular consequence: missense variant. On other transcripts: 5 prime UTR variant (4), non-coding transcript variant (6).
Genome position (GRCh38, 1-based): chr2:73,926,954, T>A. VCF-style: chr2-73926954-T-A. GRCh37 (hg19) VCF-style: chr2-74154081-T-A.
Other names: c.44T>A, p.Phe15Tyr (NM_001318859.2, NM_080918.3); c.-135T>A (NM_001318860.2, NM_001318863.2); c.-221T>A (NM_001318861.2, NM_001318862.2); short protein forms F15Y.
Identifiers: ClinVar variation 1489730 (VCV001489730.4), dbSNP rs1680635523, ClinGen allele CA347296624.

ClinVar aggregate classification (germline): Uncertain significance (1 of 4 stars; one submission).

Allele frequency attached by ClinVar (database versions not stated): gnomAD exomes below 0.00001; TOPMed below 0.00001.
gnomAD v4.1: 5 of 1,613,408 alleles (0.00031%); highest among the groups gnomAD compares: Non-Finnish European, 0.00042%; no homozygotes.

Submission:

Labcorp Genetics (formerly Invitae), Labcorp
Classification: Uncertain significance. Last evaluated: 2021-11-18. Review status: criteria provided, single submitter. Criteria: Invitae Variant Classification Sherloc (09022015). Collection method: clinical testing. Allele origin: germline.
Comment: In summary, the available evidence is currently insufficient to determine the role of this variant in disease. Therefore, it has been classified as a Variant of Uncertain Significance. Algorithms developed to predict the effect of missense changes on protein structure and function (SIFT, PolyPhen-2, Align-GVGD) all suggest that this variant is likely to be tolerated. This variant has not been reported in the literature in individuals affected with DGUOK-related conditions. This variant is not present in population databases (gnomAD no frequency). This sequence change replaces phenylalanine, which is neutral and non-polar, with tyrosine, which is neutral and polar, at codon 15 of the DGUOK protein (p.Phe15Tyr).